The following is an entry in ClinVar:

ClinVar aggregate classification (germline): Likely benign. Review status: criteria provided, single submitter (1 of 4 stars). 2 submissions from 2 submitters: Likely benign (1). 1 of the submissions does not count toward it. Last evaluated 2019-12-31.

Conditions:
PTPRS-related disorder. Also called: PTPRS-related condition.

Allele frequency attached by ClinVar (database versions not stated): ESP Exome Variant Server 0.00054; TOPMed 0.00092.
gnomAD v4.1: 2,109 of 1,613,316 alleles (0.13%); highest among the groups gnomAD compares: Non-Finnish European, 0.17%; 1 homozygote.

Submissions (2):

Labcorp Genetics (formerly Invitae), Labcorp
Classification: Likely benign. Last evaluated: 2019-12-31. Review status: criteria provided, single submitter. Criteria: Invitae Variant Classification Sherloc (09022015). Collection method: clinical testing. Allele origin: germline.

PreventionGenetics, part of Exact Sciences
Classification: Likely benign for PTPRS-related condition. Last evaluated: 2019-03-18. Review status: no assertion criteria provided. Collection method: clinical testing. Allele origin: germline. Not counted in ClinVar's aggregate classification.
Comment: This variant is classified as likely benign based on ACMG/AMP sequence variant interpretation guidelines (Richards et al. 2015 PMID: 25741868, with internal and published modifications).

NM_002850.4(PTPRS):c.4318+7C>T

Gene: PTPRS (protein tyrosine phosphatase receptor type S; minus strand). Cytogenetic location: 19p13.3.
Variant type: single nucleotide variant.
Coding change: c.4318+7C>T on transcript NM_002850.4 (MANE Select); 7 bases into the intron after coding-DNA position 4318, C replaced by T.
Molecular consequence: intron variant.
Genome position (GRCh38, 1-based): chr19:5,215,282, G>A on the plus strand (C>T on the coding strand, the complement: PTPRS is on the minus strand). VCF-style: chr19-5215282-G-A. GRCh37 (hg19) VCF-style: chr19-5215293-G-A.
Other names: c.2977+7C>T (NM_130853.3); c.4204+7C>T (NM_130854.3); c.2989+7C>T (NM_130855.3).
Identifiers: ClinVar variation 733326 (VCV000733326.6), dbSNP rs200229708, ClinGen allele CA9109194.
Genomic context (GRCh38, chr19:5,215,282, plus strand): 5'-GACATGGGATCTAGCACTTTCCATGCAGTGGGGAAGGGCAGGTTAAGACCCGGGATCTCC[G>A]AACTACCTTCAATGGGCTGGAGGATGACACGGGAGTGGTCATAGGCGATGACGTTGGCAT-3'